The following is an entry in ClinVar:

ClinVar aggregate classification (germline): Pathogenic (1 of 4 stars; one submission).

Conditions:
Cohen syndrome (COH1). Also called: Cutis verticis gyrata, retinitis pigmentosa, and sensorineural deafness; PEPPER SYNDROME. Identifiers: Orphanet 193, MedGen C0265223, MONDO:0008999, OMIM 216550.

Submission:

Labcorp Genetics (formerly Invitae), Labcorp
Classification: Pathogenic for Cohen syndrome. Last evaluated: 2024-01-11. Review status: criteria provided, single submitter. Criteria: Invitae Variant Classification Sherloc (09022015). Collection method: clinical testing. Allele origin: unknown.
Comment: This variant is a gross deletion of the genomic region encompassing exon(s) 3-13 of the VPS13B gene. This deletion is out-of-frame, and is expected to create a premature termination codon and result in an absent or disrupted protein product. Loss-of-function variants in VPS13B are known to be pathogenic (PMID: 15141358, 16648375, 20461111). This variant has not been reported in the literature in individuals affected with VPS13B-related conditions. For these reasons, this variant has been classified as Pathogenic.

Literature cited by the submitters: PubMed 15141358; PubMed 16648375; PubMed 20461111.

NC_000008.10:g.(?_100050631)_(100155413_?)del

Gene: VPS13B (vacuolar protein sorting 13 homolog B; plus strand). Cytogenetic location: 8q22.2.
Variant type: Deletion.
Identifiers: ClinVar variation 3245450 (VCV003245450.1).